The following is an entry in ClinVar:

ClinVar aggregate classification (germline): Uncertain significance. Review status: criteria provided, multiple submitters, no conflicts (2 of 4 stars). 2 submissions from 2 submitters: Uncertain significance (2). Last evaluated 2025-08-01.

gnomAD v4.1: 5 of 1,613,962 alleles (0.00031%); highest among the groups gnomAD compares: Non-Finnish European, 0.00042%; no homozygotes.

Submissions (2):

CeGaT Center for Human Genetics Tuebingen
Classification: Uncertain significance. Last evaluated: 2025-08-01. Review status: criteria provided, single submitter. Criteria: CeGaT Center For Human Genetics Tuebingen Variant Classification Criteria Version 2. Collection method: clinical testing. Allele origin: germline. Affected: yes. Observed: 1 variant allele.

GeneDx
Classification: Uncertain significance. Last evaluated: 2025-07-13. Review status: criteria provided, single submitter. Criteria: GeneDx Variant Classification Process June 2021. Collection method: clinical testing. Allele origin: germline. Affected: yes.
Comment: In silico analysis suggests that this missense variant does not alter protein structure/function; Has not been previously published as pathogenic or benign to our knowledge

NM_001829.4(CLCN3):c.1564G>A (p.Val522Ile)

Gene: CLCN3 (Cl-/H+ antiporter 3; plus strand). Cytogenetic location: 4q33.
Variant type: single nucleotide variant.
Coding change: c.1564G>A on transcript NM_001829.4 (MANE Select); coding-DNA position 1564, G replaced by A.
Protein change: p.Val522Ile; replaces valine 522 with isoleucine.
Molecular consequence: missense variant.
Genome position (GRCh38, 1-based): chr4:169,703,998, G>A. VCF-style: chr4-169703998-G-A. GRCh37 (hg19) VCF-style: chr4-170625149-G-A.
Other names: c.1483G>A, p.Val495Ile (NM_001243372.2, NM_001243374.2); c.1564G>A, p.Val522Ile (NM_173872.4); c.1564G>A (NM_173872.3); short protein forms V495I, V522I.
Identifiers: ClinVar variation 4085920 (VCV004085920.9).
Genomic context (GRCh38, chr4:169,703,998, plus strand): 5'-AAGTTTCAGGCATGTGAGTAGAGGATCTCTGCTCCATAAAGAGTTCTGTTGTTGTTATAG[G>A]TTCCATCAGGCTTGTTCATCCCCAGCATGGCCATTGGAGCGATCGCAGGAAGGATTGTGG-3'
Protein context (NP_001820.2, residues 512-532): IMTVFTFGIK[Val522Ile]PSGLFIPSMA